The following is an entry in ClinVar:

NM_000260.4(MYO7A):c.5994G>T (p.Trp1998Cys)

Gene: MYO7A (myosin VIIA; plus strand). Cytogenetic location: 11q13.5.
Variant type: single nucleotide variant.
Coding change: c.5994G>T on transcript NM_000260.4 (MANE Select); coding-DNA position 5994, G replaced by T.
Protein change: p.Trp1998Cys; replaces tryptophan 1998 with cysteine.
Molecular consequence: missense variant.
Genome position (GRCh38, 1-based): chr11:77,208,746, G>T. VCF-style: chr11-77208746-G-T. GRCh37 (hg19) VCF-style: chr11-76919791-G-T.
Other names: c.5880G>T, p.Trp1960Cys (NM_001127180.2); c.5847G>T, p.Trp1949Cys (NM_001369365.1); short protein forms W1949C, W1960C, W1998C.
Identifiers: ClinVar variation 1719700 (VCV001719700.5), dbSNP rs2497759265, ClinGen allele CA381934350.

ClinVar aggregate classification (germline): Likely pathogenic (1 of 4 stars; one submission).

Submission:

Labcorp Genetics (formerly Invitae), Labcorp
Classification: Likely pathogenic. Last evaluated: 2024-04-25. Review status: criteria provided, single submitter. Criteria: Invitae Variant Classification Sherloc (09022015). Collection method: clinical testing. Allele origin: germline.
Comment: This sequence change replaces tryptophan, which is neutral and slightly polar, with cysteine, which is neutral and slightly polar, at codon 1998 of the MYO7A protein (p.Trp1998Cys). This variant is not present in population databases (gnomAD no frequency). This missense change has been observed in individual(s) with autosomal recessive deafness and/or clinical features of Usher syndrome (PMID: 36164746; Invitae). In at least one individual the data is consistent with being in trans (on the opposite chromosome) from a pathogenic variant. It has also been observed to segregate with disease in related individuals. ClinVar contains an entry for this variant (Variation ID: 1719700). Advanced modeling of protein sequence and biophysical properties (such as structural, functional, and spatial information, amino acid conservation, physicochemical variation, residue mobility, and thermodynamic stability) has been performed at Invitae for this missense variant, however the output from this modeling did not meet the statistical confidence thresholds required to predict the impact of this variant on MYO7A protein function. In summary, the currently available evidence indicates that the variant is pathogenic, but additional data are needed to prove that conclusively. Therefore, this variant has been classified as Likely Pathogenic.

Literature cited by the submitters: PubMed 36164746.